The following is an entry in ClinVar:

NM_001375524.1(TRRAP):c.101-4A>G

Gene: TRRAP (transformation/transcription domain associated protein; plus strand). Cytogenetic location: 7q22.1.
Variant type: single nucleotide variant.
Coding change: c.101-4A>G on transcript NM_001375524.1 (MANE Select); 4 bases into the intron before coding-DNA position 101, A replaced by G.
Molecular consequence: intron variant.
Genome position (GRCh38, 1-based): chr7:98,881,971, A>G. VCF-style: chr7-98881971-A-G. GRCh37 (hg19) VCF-style: chr7-98479594-A-G.
Other names: c.101-4A>G (NM_001244580.2, NM_003496.4).
Identifiers: ClinVar variation 2012498 (VCV002012498.31), dbSNP rs1554403186, ClinGen allele CA576381980.

ClinVar aggregate classification (germline): Likely benign. Review status: criteria provided, multiple submitters, no conflicts (2 of 4 stars). 2 submissions from 2 submitters: Likely benign (2). Last evaluated 2025-07-29.

Allele frequency attached by ClinVar (database versions not stated): TOPMed below 0.00001; gnomAD 0.00001; gnomAD exomes 0.00001.
gnomAD v4.1: 12 of 1,611,032 alleles (0.00074%); highest among the groups gnomAD compares: Non-Finnish European, 0.00059%; no homozygotes.

Submissions (2):

Labcorp Genetics (formerly Invitae), Labcorp
Classification: Likely benign. Last evaluated: 2025-07-29. Review status: criteria provided, single submitter. Criteria: Invitae Variant Classification Sherloc (09022015). Collection method: clinical testing. Allele origin: germline.

CeGaT Center for Human Genetics Tuebingen
Classification: Likely benign. Last evaluated: 2023-06-01. Review status: criteria provided, single submitter. Criteria: CeGaT Center For Human Genetics Tuebingen Variant Classification Criteria Version 2. Collection method: clinical testing. Allele origin: germline. Affected: yes. Observed: 1 variant allele.
Comment: TRRAP: BP4